The following is an entry in ClinVar:

ClinVar aggregate classification (germline): Uncertain significance (1 of 4 stars; one submission).

Conditions:
Dilated cardiomyopathy 1KK (CMD1KK). Identifiers: Orphanet 154, Orphanet 75249, MedGen C3714995, MONDO:0014100, OMIM 615248.

Submission:

Labcorp Genetics (formerly Invitae), Labcorp
Classification: Uncertain significance for Dilated cardiomyopathy 1KK. Last evaluated: 2020-02-29. Review status: criteria provided, single submitter. Criteria: Invitae Variant Classification Sherloc (09022015). Collection method: clinical testing. Allele origin: germline.
Comment: Algorithms developed to predict the effect of missense changes on protein structure and function (SIFT, PolyPhen-2, Align-GVGD) all suggest that this variant is likely to be tolerated, but these predictions have not been confirmed by published functional studies and their clinical significance is uncertain. This variant has not been reported in the literature in individuals with MYPN-related disease. ClinVar contains an entry for this variant (Variation ID: 544038). This variant is not present in population databases (ExAC no frequency). This sequence change replaces valine with isoleucine at codon 361 of the MYPN protein (p.Val361Ile). The valine residue is weakly conserved and there is a small physicochemical difference between valine and isoleucine. In summary, the available evidence is currently insufficient to determine the role of this variant in disease. Therefore, it has been classified as a Variant of Uncertain Significance.

NM_032578.4(MYPN):c.1081G>A (p.Val361Ile)

Gene: MYPN (myopalladin; plus strand). Cytogenetic location: 10q21.3.
Variant type: single nucleotide variant.
Coding change: c.1081G>A on transcript NM_032578.4 (MANE Select); coding-DNA position 1081, G replaced by A.
Protein change: p.Val361Ile; replaces valine 361 with isoleucine.
Molecular consequence: missense variant. On other transcripts: non-coding transcript variant (2).
Genome position (GRCh38, 1-based): chr10:68,145,477, G>A. VCF-style: chr10-68145477-G-A. GRCh37 (hg19) VCF-style: chr10-69905234-G-A.
Other names: c.1081G>A, p.Val361Ile (NM_001256267.2); c.199G>A, p.Val67Ile (NM_001256268.2); short protein forms V361I, V67I.
Identifiers: ClinVar variation 544038 (VCV000544038.9), dbSNP rs527628617, ClinGen allele CA376830334.